The following is an entry in ClinVar:

ClinVar aggregate classification (germline): Uncertain significance. Review status: criteria provided, multiple submitters, no conflicts (2 of 4 stars). 2 submissions from 2 submitters: Uncertain significance (2). Last evaluated 2025-11-12.

Allele frequency attached by ClinVar (database versions not stated): TOPMed 0.00003; gnomAD exomes below 0.00001; gnomAD 0.00002.
gnomAD v4.1: 6 of 1,614,072 alleles (0.00037%); highest among the groups gnomAD compares: African/African-American, 0.008%; no homozygotes.

Submissions (2):

Ambry Genetics
Classification: Uncertain significance. Last evaluated: 2025-11-12. Review status: criteria provided, single submitter. Criteria: Ambry Variant Classification Scheme 2023. Collection method: clinical testing. Allele origin: germline.

Labcorp Genetics (formerly Invitae), Labcorp
Classification: Uncertain significance. Last evaluated: 2025-07-06. Review status: criteria provided, single submitter. Criteria: Invitae Variant Classification Sherloc (09022015). Collection method: clinical testing. Allele origin: germline.
Comment: This sequence change replaces glutamine, which is neutral and polar, with glutamic acid, which is acidic and polar, at codon 107 of the CLCN6 protein (p.Gln107Glu). This variant is present in population databases (no rsID available, gnomAD 0.02%). This variant has not been reported in the literature in individuals affected with CLCN6-related conditions. ClinVar contains an entry for this variant (Variation ID: 1974393). An algorithm developed to predict the effect of missense changes on protein structure and function (PolyPhen-2) suggests that this variant is likely to be tolerated. In summary, the available evidence is currently insufficient to determine the role of this variant in disease. Therefore, it has been classified as a Variant of Uncertain Significance.

NM_001286.5(CLCN6):c.319C>G (p.Gln107Glu)

Gene: CLCN6 (Cl-/H+ antiporter 6; plus strand). Cytogenetic location: 1p36.22.
Variant type: single nucleotide variant.
Coding change: c.319C>G on transcript NM_001286.5 (MANE Select); coding-DNA position 319, C replaced by G.
Protein change: p.Gln107Glu; replaces glutamine 107 with glutamic acid.
Molecular consequence: missense variant. On other transcripts: non-coding transcript variant (1).
Genome position (GRCh38, 1-based): chr1:11,819,527, C>G. VCF-style: chr1-11819527-C-G. GRCh37 (hg19) VCF-style: chr1-11879584-C-G.
Other names: c.253C>G, p.Gln85Glu (NM_001256959.2); c.319C>G (NM_001286.2); short protein forms Q85E, Q107E.
Identifiers: ClinVar variation 1974393 (VCV001974393.6), dbSNP rs997317521, ClinGen allele CA17990207.